The following is an entry in ClinVar:

ClinVar aggregate classification (germline): Uncertain significance (1 of 4 stars; one submission).

Submission:

Labcorp Genetics (formerly Invitae), Labcorp
Classification: Uncertain significance. Last evaluated: 2022-08-31. Review status: criteria provided, single submitter. Criteria: Invitae Variant Classification Sherloc (09022015). Collection method: clinical testing. Allele origin: germline.
Comment: In summary, the available evidence is currently insufficient to determine the role of this variant in disease. Therefore, it has been classified as a Variant of Uncertain Significance. Experimental studies and prediction algorithms are not available or were not evaluated, and the functional significance of this variant is currently unknown. This variant has not been reported in the literature in individuals affected with MSH3-related conditions. This variant results in a copy number gain of the genomic region encompassing exon(s) 19-20 of the MSH3 gene. While the exact position of this variant cannot be determined from the data, sub-genic copy number gains are generally in tandem (PMID: 25640679). This variant is predicted to be in-frame, and likely preserves the integrity of the reading frame.

Literature cited by the submitters: PubMed 25640679.

NC_000005.9:g.(?_80088542)_(80109570_?)dup

Gene: MSH3 (mutS homolog 3; plus strand). Cytogenetic location: 5q14.1.
Variant type: Duplication.
Identifiers: ClinVar variation 2424445 (VCV002424445.3).